The following is an entry in ClinVar:

ClinVar aggregate classification (germline): Uncertain significance (1 of 4 stars; one submission).

Allele frequency attached by ClinVar (database versions not stated): ExAC 0.00001; gnomAD exomes 0.00001; TOPMed 0.00002.
gnomAD v4.1: 8 of 1,612,502 alleles (0.0005%); highest among the groups gnomAD compares: Non-Finnish European, 0.00059%; no homozygotes.

Submission:

Labcorp Genetics (formerly Invitae), Labcorp
Classification: Uncertain significance. Last evaluated: 2025-04-17. Review status: criteria provided, single submitter. Criteria: Invitae Variant Classification Sherloc (09022015). Collection method: clinical testing. Allele origin: germline.
Comment: This sequence change replaces glutamic acid, which is acidic and polar, with glycine, which is neutral and non-polar, at codon 1489 of the CDH23 protein (p.Glu1489Gly). The frequency data for this variant in the population databases is considered unreliable, as metrics indicate poor data quality at this position in the gnomAD database. This missense change has been observed in individual(s) with clinical features of Usher syndrome (internal data). ClinVar contains an entry for this variant (Variation ID: 2172704). Invitae Evidence Modeling of protein sequence and biophysical properties (such as structural, functional, and spatial information, amino acid conservation, physicochemical variation, residue mobility, and thermodynamic stability) has been performed for this missense variant. However, the output from this modeling did not meet the statistical confidence thresholds required to predict the impact of this variant on CDH23 protein function. In summary, the available evidence is currently insufficient to determine the role of this variant in disease. Therefore, it has been classified as a Variant of Uncertain Significance.

NM_022124.6(CDH23):c.4466A>G (p.Glu1489Gly)

Gene: CDH23 (cadherin related 23; plus strand). Cytogenetic location: 10q22.1.
Variant type: single nucleotide variant.
Coding change: c.4466A>G on transcript NM_022124.6 (MANE Select); coding-DNA position 4466, A replaced by G.
Protein change: p.Glu1489Gly; replaces glutamic acid 1489 with glycine.
Molecular consequence: missense variant.
Genome position (GRCh38, 1-based): chr10:71,739,750, A>G. VCF-style: chr10-71739750-A-G. GRCh37 (hg19) VCF-style: chr10-73499507-A-G.
Other names: short protein forms E1489G.
Identifiers: ClinVar variation 2172704 (VCV002172704.3), dbSNP rs756519440, ClinGen allele CA5545052.